The following is an entry in ClinVar:

ClinVar aggregate classification (germline): Benign (1 of 4 stars; one submission).

Allele frequency attached by ClinVar (database versions not stated): gnomAD 0.15570 and 0.15940; 1000 Genomes Project 30x 0.17224; 1000 Genomes Project 0.17252; TOPMed 0.17301.
gnomAD v4.1: 24,333 of 152,160 alleles (16%); highest among the groups gnomAD compares: Admixed American, 33%; 2,497 homozygotes.

Submission:

GeneDx
Classification: Benign. Last evaluated: 2018-06-18. Review status: criteria provided, single submitter. Criteria: GeneDx Variant Classification (06012015). Collection method: clinical testing. Allele origin: germline. Affected: yes.
Comment: This variant is considered likely benign or benign based on one or more of the following criteria: it is a conservative change, it occurs at a poorly conserved position in the protein, it is predicted to be benign by multiple in silico algorithms, and/or has population frequency not consistent with disease.

NM_006939.4(SOS2):c.1852+174A>G

Gene: SOS2 (SOS Ras/Rho guanine nucleotide exchange factor 2; minus strand). Cytogenetic location: 14q21.3.
Variant type: single nucleotide variant.
Coding change: c.1852+174A>G on transcript NM_006939.4 (MANE Select); 174 bases into the intron after coding-DNA position 1852, A replaced by G.
Molecular consequence: intron variant.
Genome position (GRCh38, 1-based): chr14:50,159,257, T>C on the plus strand (A>G on the coding strand, the complement: SOS2 is on the minus strand). VCF-style: chr14-50159257-T-C. GRCh37 (hg19) VCF-style: chr14-50625975-T-C.
Identifiers: ClinVar variation 561600 (VCV000561600.1), dbSNP rs10483598, ClinGen allele CA15809674.